The following is an entry in ClinVar:

ClinVar aggregate classification (germline): Likely benign. Review status: criteria provided, single submitter (1 of 4 stars). 2 submissions from 2 submitters: Likely benign (1). 1 of the submissions does not count toward it. Last evaluated 2025-07-13.

Conditions:
CDK13-related disorder. Also called: CDK13-related condition. Identifiers: MedGen C5816700.

Allele frequency attached by ClinVar (database versions not stated): gnomAD exomes below 0.00001; ESP Exome Variant Server 0.00011; ExAC 0.00015; 1000 Genomes Project 30x 0.00016.

Submissions (2):

Labcorp Genetics (formerly Invitae), Labcorp
Classification: Likely benign. Last evaluated: 2025-07-13. Review status: criteria provided, single submitter. Criteria: Invitae Variant Classification Sherloc (09022015). Collection method: clinical testing. Allele origin: germline.

PreventionGenetics, part of Exact Sciences
Classification: Likely benign for CDK13-related condition. Last evaluated: 2021-02-02. Review status: no assertion criteria provided. Collection method: clinical testing. Allele origin: germline. Not counted in ClinVar's aggregate classification.
Comment: This variant is classified as likely benign based on ACMG/AMP sequence variant interpretation guidelines (Richards et al. 2015 PMID: 25741868, with internal and published modifications).

NM_003718.5(CDK13):c.94C>T (p.Leu32=)

Gene: CDK13 (cyclin dependent kinase 13; plus strand). Cytogenetic location: 7p14.1.
Variant type: single nucleotide variant.
Coding change: c.94C>T on transcript NM_003718.5 (MANE Select); coding-DNA position 94, C replaced by T.
Protein change: p.Leu32=; no amino-acid change (leucine 32 retained).
Molecular consequence: synonymous variant.
Genome position (GRCh38, 1-based): chr7:39,950,735, C>T. VCF-style: chr7-39950735-C-T. GRCh37 (hg19) VCF-style: chr7-39990334-C-T.
Other names: c.94C>T, p.Leu32= (NM_031267.4).
Identifiers: ClinVar variation 2918830 (VCV002918830.5), dbSNP rs371265072, ClinGen allele CA4228302.